The following is an entry in ClinVar:

NM_001374828.1(ARID1B):c.4610C>T (p.Pro1537Leu)

Gene: ARID1B (AT-rich interaction domain 1B; plus strand). Cytogenetic location: 6q25.3.
Variant type: single nucleotide variant.
Coding change: c.4610C>T on transcript NM_001374828.1 (MANE Select); coding-DNA position 4610, C replaced by T.
Protein change: p.Pro1537Leu; replaces proline 1537 with leucine.
Molecular consequence: missense variant.
Genome position (GRCh38, 1-based): chr6:157,200,835, C>T. VCF-style: chr6-157200835-C-T. GRCh37 (hg19) VCF-style: chr6-157521969-C-T.
Other names: c.4241C>T, p.Pro1414Leu (NM_020732.3); c.2111C>T, p.Pro704Leu (NM_001363725.2); c.4490C>T, p.Pro1497Leu (NM_001371656.1, NM_001374820.1); c.4451C>T, p.Pro1484Leu (NM_017519.3); short protein forms P1414L, P704L, P1484L, P1497L, P1537L.
Identifiers: ClinVar variation 588610 (VCV000588610.11), dbSNP rs530430137, ClinGen allele CA4067665.

ClinVar aggregate classification (germline): Conflicting classifications of pathogenicity. Review status: criteria provided, conflicting classifications (1 of 4 stars). 4 submissions from 4 submitters: Uncertain significance (1); Likely benign (1). 2 of the submissions do not count toward it. Last evaluated 2023-11-27.

Conditions:
ARID1B-Related Disorder. Identifiers: MedGen CN381337.
Inborn genetic diseases. Identifiers: MedGen C0950123, MeSH D030342.
Intellectual disability. Also called: Intellectual developmental disorder; Intellectual functioning disability; intellectual disabilities. Identifiers: MedGen C3714756, MeSH D008607, MONDO:0001071, HP:0001249.

Allele frequency attached by ClinVar (database versions not stated): gnomAD exomes 0.00001; TOPMed 0.00001; gnomAD 0.00001; 1000 Genomes Project 30x 0.00016; ExAC 0.00001; 1000 Genomes Project 0.00020.
gnomAD v4.1: 12 of 1,614,090 alleles (0.00074%); highest among the groups gnomAD compares: South Asian, 0.0022%; no homozygotes.

Submissions (4):

Labcorp Genetics (formerly Invitae), Labcorp
Classification: Uncertain significance. Last evaluated: 2023-11-27. Review status: criteria provided, single submitter. Criteria: Invitae Variant Classification Sherloc (09022015). Collection method: clinical testing. Allele origin: germline.
Comment: This sequence change replaces proline, which is neutral and non-polar, with leucine, which is neutral and non-polar, at codon 1414 of the ARID1B protein (p.Pro1414Leu). This variant is present in population databases (rs530430137, gnomAD 0.003%). This variant has not been reported in the literature in individuals affected with ARID1B-related conditions. ClinVar contains an entry for this variant (Variation ID: 588610). Advanced modeling of protein sequence and biophysical properties (such as structural, functional, and spatial information, amino acid conservation, physicochemical variation, residue mobility, and thermodynamic stability) has been performed at Invitae for this missense variant, however the output from this modeling did not meet the statistical confidence thresholds required to predict the impact of this variant on ARID1B protein function. In summary, the available evidence is currently insufficient to determine the role of this variant in disease. Therefore, it has been classified as a Variant of Uncertain Significance.

Ambry Genetics
Classification: Likely benign for Inborn genetic diseases. Last evaluated: 2023-11-03. Review status: criteria provided, single submitter. Criteria: Ambry Variant Classification Scheme 2023. Collection method: clinical testing. Allele origin: germline.

PreventionGenetics, part of Exact Sciences
Classification: Uncertain significance for ARID1B-related condition. Last evaluated: 2024-06-26. Review status: no assertion criteria provided. Collection method: clinical testing. Allele origin: germline. Not counted in ClinVar's aggregate classification.
Comment: The ARID1B c.4241C>T variant is predicted to result in the amino acid substitution p.Pro1414Leu. To our knowledge, this variant has not been reported in the literature. This variant is reported in 0.0033% of alleles in individuals of South Asian descent in gnomAD. At this time, the clinical significance of this variant is uncertain due to the absence of conclusive functional and genetic evidence.

Diagnostic Laboratory, Strasbourg University Hospital
Classification: Uncertain significance for Intellectual disability. Last evaluated: 2016-12-01. Review status: no assertion criteria provided. Collection method: clinical testing. Allele origin: de novo. Affected: yes. Observed: 1 heterozygote. Not counted in ClinVar's aggregate classification.